The following is an entry in ClinVar:

NM_152743.4(BRAT1):c.331C>T (p.Arg111Ter)

Gene: BRAT1 (BRCA1 associated ATM activator 1; minus strand). Cytogenetic location: 7p22.3.
Variant type: single nucleotide variant.
Coding change: c.331C>T on transcript NM_152743.4 (MANE Select); coding-DNA position 331, C replaced by T.
Protein change: p.Arg111Ter; replaces arginine 111 with a stop codon.
Molecular consequence: nonsense. On other transcripts: non-coding transcript variant (1), intron variant (1).
Genome position (GRCh38, 1-based): chr7:2,545,008, G>A on the plus strand (C>T on the coding strand, the complement: BRAT1 is on the minus strand). VCF-style: chr7-2545008-G-A. GRCh37 (hg19) VCF-style: chr7-2584642-G-A.
Other names: c.331C>T, p.Arg111Ter (NM_001350626.2); c.-95-1046C>T (NM_001350627.2); short protein forms R111*.
Identifiers: ClinVar variation 451288 (VCV000451288.2), dbSNP rs1450676893, ClinGen allele CA366632949.

ClinVar aggregate classification (germline): Likely pathogenic (1 of 4 stars; one submission).

Allele frequency attached by ClinVar (database versions not stated): gnomAD exomes below 0.00001; TOPMed below 0.00001; gnomAD 0.00003.
gnomAD v4.1: 2 of 1,547,836 alleles (0.00013%); highest among the groups gnomAD compares: South Asian, 0.0012%; no homozygotes.

Submission:

GeneDx
Classification: Likely pathogenic. Last evaluated: 2017-08-22. Review status: criteria provided, single submitter. Criteria: GeneDx Variant Classification (06012015). Collection method: clinical testing. Allele origin: germline. Affected: yes.
Comment: The R111X variant in the BRAT1 gene has not been reported previously as a pathogenic variant nor as a benign variant, to our knowledge. This variant is predicted to cause loss of normal protein function either through protein truncation or nonsense-mediated mRNA decay. The R111X variant is not observed in large population cohorts (Lek et al., 2016; 1000 Genomes Consortium et al., 2015; Exome Variant Server). We interpret R111X as a likely pathogenic variant.